The following is an entry in ClinVar:

ClinVar aggregate classification (germline): Uncertain significance (1 of 4 stars; one submission).

Conditions:
Charcot-Marie-Tooth disease axonal type 2O. Also called: CHARCOT-MARIE-TOOTH NEUROPATHY, AXONAL, TYPE 2O; CHARCOT-MARIE-TOOTH DISEASE, AXONAL, AUTOSOMAL DOMINANT, TYPE 2O; Charcot-Marie-Tooth Neuropathy Type 2O; Charcot-Marie-Tooth disease, axonal, type 20. Identifiers: Orphanet 284232, MedGen C3280220, MONDO:0013644, OMIM 614228.

Submission:

Labcorp Genetics (formerly Invitae), Labcorp
Classification: Uncertain significance for Charcot-Marie-Tooth disease axonal type 2O. Last evaluated: 2025-03-18. Review status: criteria provided, single submitter. Criteria: Invitae Variant Classification Sherloc (09022015). Collection method: clinical testing. Allele origin: germline.
Comment: This sequence change replaces valine, which is neutral and non-polar, with isoleucine, which is neutral and non-polar, at codon 3951 of the DYNC1H1 protein (p.Val3951Ile). This variant is not present in population databases (gnomAD no frequency). This variant has not been reported in the literature in individuals affected with DYNC1H1-related conditions. ClinVar contains an entry for this variant (Variation ID: 2816798). Invitae Evidence Modeling of protein sequence and biophysical properties (such as structural, functional, and spatial information, amino acid conservation, physicochemical variation, residue mobility, and thermodynamic stability) indicates that this missense variant is not expected to disrupt DYNC1H1 protein function with a negative predictive value of 95%. In summary, the available evidence is currently insufficient to determine the role of this variant in disease. Therefore, it has been classified as a Variant of Uncertain Significance.

NM_001376.5(DYNC1H1):c.11851G>A (p.Val3951Ile)

Gene: DYNC1H1 (dynein cytoplasmic 1 heavy chain 1; plus strand). Cytogenetic location: 14q32.31.
Variant type: single nucleotide variant.
Coding change: c.11851G>A on transcript NM_001376.5 (MANE Select); coding-DNA position 11851, G replaced by A.
Protein change: p.Val3951Ile; replaces valine 3951 with isoleucine.
Molecular consequence: missense variant.
Genome position (GRCh38, 1-based): chr14:102,040,396, G>A. VCF-style: chr14-102040396-G-A. GRCh37 (hg19) VCF-style: chr14-102506733-G-A.
Other names: short protein forms V3951I.
Identifiers: ClinVar variation 2816798 (VCV002816798.3), dbSNP rs2152595709, ClinGen allele CA391037083.